The following is an entry in ClinVar:

ClinVar aggregate classification (germline): Benign/Likely benign. Review status: criteria provided, multiple submitters, no conflicts (2 of 4 stars). 4 submissions from 4 submitters: Benign (1); Likely benign (2). 1 of the submissions does not count toward it. Last evaluated 2025-03-30.

Conditions:
DOCK6-related disorder. Also called: DOCK6-related condition.

Allele frequency attached by ClinVar (database versions not stated): gnomAD 0.00006 and 0.00010; ESP Exome Variant Server 0.00008; TOPMed 0.00009; gnomAD exomes 0.00022 and 0.00047; 1000 Genomes Project 30x 0.00031; 1000 Genomes Project 0.00040; ExAC 0.00122.
gnomAD v4.1: 315 of 1,555,368 alleles (0.02%); highest among the groups gnomAD compares: South Asian, 0.27%; 3 homozygotes.

Submissions (4):

Labcorp Genetics (formerly Invitae), Labcorp
Classification: Benign. Last evaluated: 2025-03-30. Review status: criteria provided, single submitter. Criteria: Invitae Variant Classification Sherloc (09022015). Collection method: clinical testing. Allele origin: germline.

Blueprint Genetics
Classification: Likely benign. Last evaluated: 2024-09-16. Review status: criteria provided, single submitter. Criteria: ACMG Guidelines, 2015. Collection method: clinical testing. Allele origin: germline.

CeGaT Center for Human Genetics Tuebingen
Classification: Likely benign. Last evaluated: 2023-12-01. Review status: criteria provided, single submitter. Criteria: CeGaT Center For Human Genetics Tuebingen Variant Classification Criteria Version 2. Collection method: clinical testing. Allele origin: germline. Affected: yes. Observed: 2 variant alleles.
Comment: DOCK6: BP4, BP7

PreventionGenetics, part of Exact Sciences
Classification: Likely benign for DOCK6-related condition. Last evaluated: 2021-02-10. Review status: no assertion criteria provided. Collection method: clinical testing. Allele origin: germline. Not counted in ClinVar's aggregate classification.
Comment: This variant is classified as likely benign based on ACMG/AMP sequence variant interpretation guidelines (Richards et al. 2015 PMID: 25741868, with internal and published modifications).

NM_020812.4(DOCK6):c.2103C>T (p.Asp701=)

Gene: DOCK6 (dedicator of cytokinesis 6; minus strand). Cytogenetic location: 19p13.2.
Variant type: single nucleotide variant.
Coding change: c.2103C>T on transcript NM_020812.4 (MANE Select); coding-DNA position 2103, C replaced by T.
Protein change: p.Asp701=; no amino-acid change (aspartic acid 701 retained).
Molecular consequence: synonymous variant.
Genome position (GRCh38, 1-based): chr19:11,236,850, G>A on the plus strand (C>T on the coding strand, the complement: DOCK6 is on the minus strand). VCF-style: chr19-11236850-G-A. GRCh37 (hg19) VCF-style: chr19-11347526-G-A.
Other names: c.2103C>T, p.Asp701= (NM_001367830.1).
Identifiers: ClinVar variation 726430 (VCV000726430.33), dbSNP rs372208548, ClinGen allele CA9207732.